The following is an entry in ClinVar:

NM_005204.4(MAP3K8):c.1169C>G (p.Pro390Arg)

Gene: MAP3K8 (mitogen-activated protein kinase kinase kinase 8; plus strand). Cytogenetic location: 10p11.23.
Variant type: single nucleotide variant.
Coding change: c.1169C>G on transcript NM_005204.4 (MANE Select); coding-DNA position 1169, C replaced by G.
Protein change: p.Pro390Arg; replaces proline 390 with arginine.
Molecular consequence: missense variant.
Genome position (GRCh38, 1-based): chr10:30,459,397, C>G. VCF-style: chr10-30459397-C-G. GRCh37 (hg19) VCF-style: chr10-30748326-C-G.
Other names: c.1169C>G, p.Pro390Arg (NM_001244134.1, NM_001320961.2); short protein forms P390R.
Identifiers: ClinVar variation 3692318 (VCV003692318.2).

ClinVar aggregate classification (germline): Uncertain significance (1 of 4 stars; one submission).

Submission:

Labcorp Genetics (formerly Invitae), Labcorp
Classification: Uncertain significance. Last evaluated: 2024-03-26. Review status: criteria provided, single submitter. Criteria: Invitae Variant Classification Sherloc (09022015). Collection method: clinical testing. Allele origin: germline.
Comment: This sequence change replaces proline, which is neutral and non-polar, with arginine, which is basic and polar, at codon 390 of the MAP3K8 protein (p.Pro390Arg). This variant is not present in population databases (gnomAD no frequency). This variant has not been reported in the literature in individuals affected with MAP3K8-related conditions. An algorithm developed to predict the effect of missense changes on protein structure and function (PolyPhen-2) suggests that this variant is likely to be disruptive. In summary, the available evidence is currently insufficient to determine the role of this variant in disease. Therefore, it has been classified as a Variant of Uncertain Significance.